The following is an entry in ClinVar:

NM_001292063.2(OTOG):c.6712+6G>A

Gene: OTOG (otogelin; plus strand). Cytogenetic location: 11p15.1.
Variant type: single nucleotide variant.
Coding change: c.6712+6G>A on transcript NM_001292063.2 (MANE Select); 6 bases into the intron after coding-DNA position 6712, G replaced by A.
Molecular consequence: intron variant.
Genome position (GRCh38, 1-based): chr11:17,629,322, G>A. VCF-style: chr11-17629322-G-A. GRCh37 (hg19) VCF-style: chr11-17650869-G-A.
Other names: c.6748+6G>A (NM_001277269.1, NM_001277269.2).
Identifiers: ClinVar variation 2148048 (VCV002148048.9), dbSNP rs529947918, ClinGen allele CA218493753.

ClinVar aggregate classification (germline): Conflicting classifications of pathogenicity. Review status: criteria provided, conflicting classifications (1 of 4 stars). 4 submissions from 4 submitters: Uncertain significance (2); Likely benign (1). 1 of the submissions does not count toward it. Last evaluated 2024-11-27.

Conditions:
OTOG-related disorder. Also called: OTOG-related condition.

Allele frequency attached by ClinVar (database versions not stated): TOPMed 0.00002; 1000 Genomes Project 30x 0.00016; 1000 Genomes Project 0.00020.
gnomAD v4.1: 19 of 1,543,244 alleles (0.0012%); highest among the groups gnomAD compares: South Asian, 0.006%; no homozygotes.

Submissions (4):

Blueprint Genetics
Classification: Likely benign. Last evaluated: 2024-11-27. Review status: criteria provided, single submitter. Criteria: ACMG Guidelines, 2015. Collection method: clinical testing. Allele origin: germline.

Women's Health and Genetics/Laboratory Corporation of America, LabCorp
Classification: Uncertain significance. Last evaluated: 2024-03-14. Review status: criteria provided, single submitter. Criteria: LabCorp Variant Classification Summary - May 2015. Collection method: clinical testing. Allele origin: germline.
Comment: Variant summary: OTOG c.6748+6G>A alters a non-conserved nucleotide located close to a canonical splice site and therefore could affect mRNA splicing, leading to a significantly altered protein sequence. Consensus agreement among computation tools predict no significant impact on normal splicing. However, these predictions have yet to be confirmed by functional studies. The frequency data for this variant in gnomAD is considered unreliable, as metrics indicate poor data quality at this position. To our knowledge, no occurrence of c.6748+6G>A in individuals affected with Deafness, Autosomal Recessive 18b and no experimental evidence demonstrating its impact on protein function have been reported. ClinVar contains an entry for this variant (Variation ID: 2148048). Based on the evidence outlined above, the variant was classified as uncertain significance.

Labcorp Genetics (formerly Invitae), Labcorp
Classification: Uncertain significance. Last evaluated: 2022-09-16. Review status: criteria provided, single submitter. Criteria: Invitae Variant Classification Sherloc (09022015). Collection method: clinical testing. Allele origin: germline.
Comment: This sequence change falls in intron 39 of the OTOG gene. It does not directly change the encoded amino acid sequence of the OTOG protein. It affects a nucleotide within the consensus splice site. This variant is present in population databases (rs529947918, gnomAD 0.002%). This variant has not been reported in the literature in individuals affected with OTOG-related conditions. Variants that disrupt the consensus splice site are a relatively common cause of aberrant splicing (PMID: 17576681, 9536098). Algorithms developed to predict the effect of sequence changes on RNA splicing suggest that this variant may create or strengthen a splice site. In summary, the available evidence is currently insufficient to determine the role of this variant in disease. Therefore, it has been classified as a Variant of Uncertain Significance.

PreventionGenetics, part of Exact Sciences
Classification: Likely benign for OTOG-related condition. Last evaluated: 2019-02-20. Review status: no assertion criteria provided. Collection method: clinical testing. Allele origin: germline. Not counted in ClinVar's aggregate classification.
Comment: This variant is classified as likely benign based on ACMG/AMP sequence variant interpretation guidelines (Richards et al. 2015 PMID: 25741868, with internal and published modifications).

Literature cited by the submitters: PubMed 17576681 (cited by Labcorp Genetics (formerly Invitae), Labcorp); PubMed 9536098 (cited by Labcorp Genetics (formerly Invitae), Labcorp).